The following is an entry in ClinVar:

ClinVar aggregate classification (germline): Uncertain significance. Review status: criteria provided, multiple submitters, no conflicts (2 of 4 stars). 2 submissions from 2 submitters: Uncertain significance (2). Last evaluated 2025-11-13.

Conditions:
Inborn genetic diseases. Identifiers: MedGen C0950123, MeSH D030342.

Allele frequency attached by ClinVar (database versions not stated): gnomAD exomes 0.00001.
gnomAD v4.1: 11 of 1,259,722 alleles (0.00087%); highest among the groups gnomAD compares: South Asian, 0.0031%; no homozygotes.

Submissions (2):

Ambry Genetics
Classification: Uncertain significance for Inborn genetic diseases. Last evaluated: 2025-11-13. Review status: criteria provided, single submitter. Criteria: Ambry Variant Classification Scheme 2023. Collection method: clinical testing. Allele origin: germline.

Labcorp Genetics (formerly Invitae), Labcorp
Classification: Uncertain significance. Last evaluated: 2023-05-22. Review status: criteria provided, single submitter. Criteria: Invitae Variant Classification Sherloc (09022015). Collection method: clinical testing. Allele origin: germline.
Comment: In summary, the available evidence is currently insufficient to determine the role of this variant in disease. Therefore, it has been classified as a Variant of Uncertain Significance. An algorithm developed to predict the effect of missense changes on protein structure and function (PolyPhen-2) suggests that this variant is likely to be tolerated. This variant has not been reported in the literature in individuals affected with LRRK1-related conditions. This variant is not present in population databases (gnomAD no frequency). This sequence change replaces aspartic acid, which is acidic and polar, with tyrosine, which is neutral and polar, at codon 79 of the LRRK1 protein (p.Asp79Tyr).

NM_024652.6(LRRK1):c.235G>T (p.Asp79Tyr)

Gene: LRRK1 (leucine rich repeat kinase 1; plus strand). Cytogenetic location: 15q26.3.
Variant type: single nucleotide variant.
Coding change: c.235G>T on transcript NM_024652.6 (MANE Select); coding-DNA position 235, G replaced by T.
Protein change: p.Asp79Tyr; replaces aspartic acid 79 with tyrosine.
Molecular consequence: missense variant.
Genome position (GRCh38, 1-based): chr15:100,973,941, G>T. VCF-style: chr15-100973941-G-T. GRCh37 (hg19) VCF-style: chr15-101514146-G-T.
Other names: c.235G>T (NM_024652.3); short protein forms D79Y.
Identifiers: ClinVar variation 2873556 (VCV002873556.4), dbSNP rs1456154770, ClinGen allele CA393950142.